The following is an entry in ClinVar:

ClinVar aggregate classification (germline): Likely pathogenic. Review status: criteria provided, multiple submitters, no conflicts (2 of 4 stars). 2 submissions from 2 submitters: Likely pathogenic (2). Last evaluated 2025-06-03.

Conditions:
Retinitis pigmentosa 25 (RP25). Identifiers: Orphanet 791, MedGen C1864446, MONDO:0011272, OMIM 602772.

Submissions (2):

Labcorp Genetics (formerly Invitae), Labcorp
Classification: Likely pathogenic. Last evaluated: 2025-06-03. Review status: criteria provided, single submitter. Criteria: Invitae Variant Classification Sherloc (09022015). Collection method: clinical testing. Allele origin: germline.
Comment: This sequence change affects a splice site in intron 8 of the EYS gene. It is expected to disrupt RNA splicing. Variants that disrupt the donor or acceptor splice site typically lead to a loss of protein function (PMID: 16199547), and loss-of-function variants in EYS are known to be pathogenic (PMID: 18836446, 20333770). Information on the frequency of this variant in the gnomAD database is not available, as this variant may be reported differently in the database. This variant has not been reported in the literature in individuals affected with EYS-related conditions. ClinVar contains an entry for this variant (Variation ID: 2675268). In summary, the currently available evidence indicates that the variant is pathogenic, but additional data are needed to prove that conclusively. Therefore, this variant has been classified as Likely Pathogenic.

Baylor Genetics
Classification: Likely pathogenic for Retinitis pigmentosa 25. Last evaluated: 2023-07-11. Review status: criteria provided, single submitter. Criteria: ACMG Guidelines, 2015. Collection method: clinical testing. Allele origin: unknown.

Literature cited by the submitters: PubMed 16199547 (cited by Labcorp Genetics (formerly Invitae), Labcorp); PubMed 18836446 (cited by Labcorp Genetics (formerly Invitae), Labcorp); PubMed 20333770 (cited by Labcorp Genetics (formerly Invitae), Labcorp).

NM_001142800.2(EYS):c.1300-3_1300-2inv

Gene: EYS (EGF-like photoreceptor maintenance factor; minus strand). Cytogenetic location: 6q12.
Variant type: Inversion.
Coding change: c.1300-3_1300-2inv on transcript NM_001142800.2 (MANE Select).
Molecular consequence: splice acceptor variant.
Genome position: GRCh38 VCF-style: chr6-65353619-TG-CA. GRCh37 (hg19) VCF-style: chr6-66063512-TG-CA.
Other names: c.1300-3_1300-2inv (NM_001292009.2, NM_001142801.2, NM_198283.2); c.1300-3_1300-2delinsTG (NM_001142800.2).
Identifiers: ClinVar variation 2675268 (VCV002675268.2), ClinGen allele CA2695198267.
Genomic context (GRCh38, chr6:65,353,619, plus strand): 5'-AGGTAAACATTCTTCAAAAACCAACATGGATTTTTTGTGCACCCTGGAATGCATACATAC[TG>CA]CAAAAAGGAAACAAGGAAAAATGGTAAATTCTTTTTTGATATATTTTTCAATATATACAT-3'